The following is an entry in ClinVar:

ClinVar aggregate classification (germline): Uncertain significance. Review status: criteria provided, single submitter (1 of 4 stars). 2 submissions from 2 submitters: Uncertain significance (1). 1 of the submissions does not count toward it. Last evaluated 2024-05-18.

Conditions:
DIAPH3-related disorder. Also called: DIAPH3-related condition.

Allele frequency attached by ClinVar (database versions not stated): gnomAD exomes below 0.00001; gnomAD 0.00001; TOPMed 0.00002.
gnomAD v4.1: 3 of 1,613,648 alleles (0.00019%); highest among the groups gnomAD compares: Admixed American, 0.0033%; no homozygotes.

Submissions (2):

Labcorp Genetics (formerly Invitae), Labcorp
Classification: Uncertain significance. Last evaluated: 2024-05-18. Review status: criteria provided, single submitter. Criteria: Invitae Variant Classification Sherloc (09022015). Collection method: clinical testing. Allele origin: germline.
Comment: This sequence change replaces glutamic acid, which is acidic and polar, with glycine, which is neutral and non-polar, at codon 182 of the DIAPH3 protein (p.Glu182Gly). This variant is not present in population databases (gnomAD no frequency). This variant has not been reported in the literature in individuals affected with DIAPH3-related conditions. An algorithm developed to predict the effect of missense changes on protein structure and function (PolyPhen-2) suggests that this variant is likely to be disruptive. In summary, the available evidence is currently insufficient to determine the role of this variant in disease. Therefore, it has been classified as a Variant of Uncertain Significance.

PreventionGenetics, part of Exact Sciences
Classification: Uncertain significance for DIAPH3-related condition. Last evaluated: 2024-05-15. Review status: no assertion criteria provided. Collection method: clinical testing. Allele origin: germline. Not counted in ClinVar's aggregate classification.
Comment: The DIAPH3 c.545A>G variant is predicted to result in the amino acid substitution p.Glu182Gly. To our knowledge, this variant has not been reported in the literature or in a large population database, indicating this variant is rare. At this time, the clinical significance of this variant is uncertain due to the absence of conclusive functional and genetic evidence.

NM_001042517.2(DIAPH3):c.545A>G (p.Glu182Gly)

Genes: DIAPH3 (diaphanous related formin 3; minus strand), DIAPH3-AS1 (DIAPH3 antisense RNA 1; plus strand). Cytogenetic location: 13q21.2.
Variant type: single nucleotide variant.
Coding change: c.545A>G on transcript NM_001042517.2 (MANE Select); coding-DNA position 545, A replaced by G.
Protein change: p.Glu182Gly; replaces glutamic acid 182 with glycine.
Molecular consequence: missense variant. On other transcripts: non-coding transcript variant (4).
Genome position (GRCh38, 1-based): chr13:60,042,771, T>C on the plus strand (A>G on the coding strand, the complement: DIAPH3 is on the minus strand). VCF-style: chr13-60042771-T-C. GRCh37 (hg19) VCF-style: chr13-60616905-T-C.
Other names: c.512A>G, p.Glu171Gly (NM_001258366.2); c.407A>G, p.Glu136Gly (NM_001258367.2); c.335A>G, p.Glu112Gly (NM_001258368.2); c.545A>G, p.Glu182Gly (NM_001258369.2); short protein forms E112G, E136G, E171G, E182G.
Identifiers: ClinVar variation 3029688 (VCV003029688.4), dbSNP rs2055776558, ClinGen allele CA388336865.
Genomic context (GRCh38, chr13:60,042,771, plus strand): 5'-GACACTCGGAGAGACTCCAGGCATGTGACAAGTCTCTCATCTGCAGACCCCATTTTCAGC[T>C]CATGAATGAATTCCTGAGGTGAGATCTGTCGGCTTCTCTTAAGACTTCCCTATAAAATAA-3'
Protein context (NP_001035982.1, residues 172-192): RQISPQEFIH[Glu182Gly]LKMGSADERL